The following is an entry in ClinVar:

ClinVar aggregate classification (germline): Uncertain significance (1 of 4 stars; one submission).

Allele frequency attached by ClinVar (database versions not stated): gnomAD 0.00001; gnomAD exomes 0.00001; TOPMed 0.00001.
gnomAD v4.1: 5 of 1,613,786 alleles (0.00031%); highest among the groups gnomAD compares: Non-Finnish European, 0.00042%; no homozygotes.

Submission:

Labcorp Genetics (formerly Invitae), Labcorp
Classification: Uncertain significance. Last evaluated: 2021-08-09. Review status: criteria provided, single submitter. Criteria: Invitae Variant Classification Sherloc (09022015). Collection method: clinical testing. Allele origin: germline.
Comment: This sequence change replaces valine with leucine at codon 773 of the ABCC6 protein (p.Val773Leu). The valine residue is moderately conserved and there is a small physicochemical difference between valine and leucine. This variant is not present in population databases (ExAC no frequency). This variant has not been reported in the literature in individuals affected with ABCC6-related conditions. Advanced modeling of protein sequence and biophysical properties (such as structural, functional, and spatial information, amino acid conservation, physicochemical variation, residue mobility, and thermodynamic stability) performed at Invitae indicates that this missense variant is not expected to disrupt ABCC6 protein function. In summary, the available evidence is currently insufficient to determine the role of this variant in disease. Therefore, it has been classified as a Variant of Uncertain Significance.

NM_001171.6(ABCC6):c.2317G>T (p.Val773Leu)

Gene: ABCC6 (ATP binding cassette subfamily C member 6; minus strand). Cytogenetic location: 16p13.11.
Variant type: single nucleotide variant.
Coding change: c.2317G>T on transcript NM_001171.6 (MANE Select); coding-DNA position 2317, G replaced by T.
Protein change: p.Val773Leu; replaces valine 773 with leucine.
Molecular consequence: missense variant. On other transcripts: non-coding transcript variant (1).
Genome position (GRCh38, 1-based): chr16:16,178,896, C>A on the plus strand (G>T on the coding strand, the complement: ABCC6 is on the minus strand). VCF-style: chr16-16178896-C-A. GRCh37 (hg19) VCF-style: chr16-16272753-C-A.
Other names: c.1975G>T, p.Val659Leu (NM_001351800.1); short protein forms V659L, V773L.
Identifiers: ClinVar variation 1439319 (VCV001439319.3), dbSNP rs114185856, ClinGen allele CA394888068.